The following is an entry in ClinVar:

ClinVar aggregate classification (germline): Uncertain significance (1 of 4 stars; one submission).

Conditions:
Cornelia de Lange syndrome 1 (CDLS1). Also called: NIPBL-Related Cornelia de Lange Syndrome; TYPUS DEGENERATIVUS AMSTELODAMENSIS; Brachmann de Lange syndrome. Identifiers: Orphanet 199, MedGen C4551851, MONDO:0007387, OMIM 122470.

Submission:

Laboratory of Medical Genetics, National & Kapodistrian University of Athens
Classification: Uncertain significance for Cornelia de Lange syndrome 1. Last evaluated: 2021-10-06. Review status: criteria provided, single submitter. Criteria: ACMG Guidelines, 2015. Collection method: clinical testing. Allele origin: paternal.
Comment: PM2, PP2, PP3

NM_133433.4(NIPBL):c.8299A>G (p.Lys2767Glu)

Gene: NIPBL (NIPBL cohesin loading factor; plus strand). Cytogenetic location: 5p13.2.
Variant type: single nucleotide variant.
Coding change: c.8299A>G on transcript NM_133433.4 (MANE Select); coding-DNA position 8299, A replaced by G.
Protein change: p.Lys2767Glu; replaces lysine 2767 with glutamic acid.
Molecular consequence: missense variant. On other transcripts: 3 prime UTR variant (1).
Genome position (GRCh38, 1-based): chr5:37,064,776, A>G. VCF-style: chr5-37064776-A-G. GRCh37 (hg19) VCF-style: chr5-37064878-A-G.
Other names: c.*753A>G (NM_015384.5); short protein forms K2767E.
Identifiers: ClinVar variation 1299606 (VCV001299606.1), dbSNP rs2149761150, ClinGen allele CA359523023.